The following is an entry in ClinVar:

NM_017780.4(CHD7):c.5897G>A (p.Trp1966Ter)

Gene: CHD7 (chromodomain helicase DNA binding protein 7; plus strand). Cytogenetic location: 8q12.2.
Variant type: single nucleotide variant.
Coding change: c.5897G>A on transcript NM_017780.4 (MANE Select); coding-DNA position 5897, G replaced by A.
Protein change: p.Trp1966Ter; replaces tryptophan 1966 with a stop codon.
Molecular consequence: nonsense. On other transcripts: intron variant (1).
Genome position (GRCh38, 1-based): chr8:60,852,500, G>A. VCF-style: chr8-60852500-G-A. GRCh37 (hg19) VCF-style: chr8-61765059-G-A.
Other names: c.1717-9729G>A (NM_001316690.1); short protein forms W1966*.
Identifiers: ClinVar variation 2152044 (VCV002152044.5), dbSNP rs2488035178, ClinGen allele CA371323591.
Genomic context (GRCh38, chr8:60,852,500, plus strand): 5'-AGTAAATATTAAGTCTTTTCCTGAAGTATGATGCAAGCTAATATAATCTTTCTAACAGGT[G>A]GACAAGAAGAGAAGAGGCTGATTTTTACCGTGTGGTATCCACCTTTGGGGTTATTTTTGA-3'

ClinVar aggregate classification (germline): Pathogenic. Review status: criteria provided, multiple submitters, no conflicts (2 of 4 stars). 2 submissions from 2 submitters: Pathogenic (2). Last evaluated 2024-07-19.

Conditions:
CHARGE syndrome (CHARGE). Also called: Hittner Hirsch Kreh syndrome; CHARGE ASSOCIATION--COLOBOMA, HEART ANOMALY, CHOANAL ATRESIA, RETARDATION, GENITAL AND EAR ANOMALIES; Coloboma, heart anomaly, choanal atresia, retardation, genital and ear anomalies; CHARGE association; Hall-Hittner syndrome. Identifiers: Orphanet 138, MedGen C0265354, MONDO:0008965.

Submissions (2):

GeneDx
Classification: Pathogenic. Last evaluated: 2024-07-19. Review status: criteria provided, single submitter. Criteria: GeneDx Variant Classification Process June 2021. Collection method: clinical testing. Allele origin: germline. Affected: yes.
Comment: Nonsense variant predicted to result in protein truncation or nonsense mediated decay in a gene for which loss of function is a known mechanism of disease; Not observed at significant frequency in large population cohorts (gnomAD); This variant is associated with the following publications: (PMID: 32368696, 31941532, 28991257, 38545186)

Labcorp Genetics (formerly Invitae), Labcorp
Classification: Pathogenic for CHARGE syndrome. Last evaluated: 2022-08-25. Review status: criteria provided, single submitter. Criteria: Invitae Variant Classification Sherloc (09022015). Collection method: clinical testing. Allele origin: germline.
Comment: For these reasons, this variant has been classified as Pathogenic. Algorithms developed to predict the effect of sequence changes on RNA splicing suggest that this variant may create or strengthen a splice site. This premature translational stop signal has been observed in individual(s) with congenital heart disease (PMID: 28991257). This variant is not present in population databases (gnomAD no frequency). This sequence change creates a premature translational stop signal (p.Trp1966*) in the CHD7 gene. It is expected to result in an absent or disrupted protein product. Loss-of-function variants in CHD7 are known to be pathogenic (PMID: 22461308, 25077900).

Literature cited by the submitters: PubMed 28991257 (cited by Labcorp Genetics (formerly Invitae), Labcorp); PubMed 22461308 (cited by Labcorp Genetics (formerly Invitae), Labcorp); PubMed 25077900 (cited by Labcorp Genetics (formerly Invitae), Labcorp).